The following is an entry in ClinVar:

NM_003560.4(PLA2G6):c.812T>C (p.Ile271Thr)

Gene: PLA2G6 (phospholipase A2 group VI; minus strand). Cytogenetic location: 22q13.1.
Variant type: single nucleotide variant.
Coding change: c.812T>C on transcript NM_003560.4 (MANE Select); coding-DNA position 812, T replaced by C.
Protein change: p.Ile271Thr; replaces isoleucine 271 with threonine.
Molecular consequence: missense variant.
Genome position (GRCh38, 1-based): chr22:38,135,070, A>G on the plus strand (T>C on the coding strand, the complement: PLA2G6 is on the minus strand). VCF-style: chr22-38135070-A-G. GRCh37 (hg19) VCF-style: chr22-38531077-A-G.
Other names: c.812T>C, p.Ile271Thr (NM_001004426.3, NM_001199562.3, NM_001349864.2 and 2 more transcripts); c.278T>C, p.Ile93Thr (NM_001349867.2, NM_001349869.2); c.134T>C, p.Ile45Thr (NM_001349868.2); short protein forms I271T, I45T, I93T.
Identifiers: ClinVar variation 663930 (VCV000663930.9), dbSNP rs1602142894, ClinGen allele CA411531179.

ClinVar aggregate classification (germline): Uncertain significance. Review status: criteria provided, multiple submitters, no conflicts (2 of 4 stars). 2 submissions from 2 submitters: Uncertain significance (2). Last evaluated 2024-03-08.

Conditions:
Infantile neuroaxonal dystrophy (NBIA2A). Also called: SEITELBERGER DISEASE; NEURODEGENERATION WITH BRAIN IRON ACCUMULATION 2A; Infantile neuroaxonal dystrophy 1. Identifiers: Orphanet 35069, MedGen C0270724, MONDO:0024457, OMIM 256600.

Allele frequency attached by ClinVar (database versions not stated): gnomAD exomes below 0.00001.
gnomAD v4.1: 1 of 1,609,360 alleles (0.000062%); highest among the groups gnomAD compares: Admixed American, 0.0017%; no homozygotes.

Submissions (2):

3billion
Classification: Uncertain significance for Infantile neuroaxonal dystrophy. Last evaluated: 2024-03-08. Review status: criteria provided, single submitter. Criteria: ACMG Guidelines, 2015. Collection method: clinical testing. Allele origin: germline. Affected: yes.
Comment: The variant is not observed in the gnomAD v2.1.1 dataset. Predicted Consequence/Location: Missense variant Damaging effect on gene or gene product predicted by in silico programs is uncertain [REVEL: 0.55 (damaging >=0.6, benign <0.4), 3Cnet: 0.56 (damaging >=0.6, benign <0.15)]. Therefore, this variant is classified as VUS according to the recommendation of ACMG/AMP guideline.

Labcorp Genetics (formerly Invitae), Labcorp
Classification: Uncertain significance for Infantile neuroaxonal dystrophy. Last evaluated: 2024-02-17. Review status: criteria provided, single submitter. Criteria: Invitae Variant Classification Sherloc (09022015). Collection method: clinical testing. Allele origin: germline.
Comment: This sequence change replaces isoleucine, which is neutral and non-polar, with threonine, which is neutral and polar, at codon 271 of the PLA2G6 protein (p.Ile271Thr). This variant is not present in population databases (gnomAD no frequency). This variant has not been reported in the literature in individuals affected with PLA2G6-related conditions. ClinVar contains an entry for this variant (Variation ID: 663930). Advanced modeling of protein sequence and biophysical properties (such as structural, functional, and spatial information, amino acid conservation, physicochemical variation, residue mobility, and thermodynamic stability) has been performed at Invitae for this missense variant, however the output from this modeling did not meet the statistical confidence thresholds required to predict the impact of this variant on PLA2G6 protein function. In summary, the available evidence is currently insufficient to determine the role of this variant in disease. Therefore, it has been classified as a Variant of Uncertain Significance.